The following is an entry in ClinVar:

NM_144670.6(A2ML1):c.3797dup (p.Ser1268fs)

Gene: A2ML1 (alpha-2-macroglobulin like 1; plus strand). Cytogenetic location: 12p13.31.
Variant type: Duplication.
Coding change: c.3797dup on transcript NM_144670.6 (MANE Select); coding-DNA position 3797, one base duplicated (T; older notation c.3797dupT).
Protein change: p.Ser1268fs; shifts the reading frame from serine 1268.
Molecular consequence: frameshift variant.
Genome position (GRCh38, 1-based): chr12:8,867,921, T duplicated. VCF-style (leftmost placement, unchanged base first): chr12-8867920-G-GT. GRCh37 (hg19) VCF-style: chr12-9020516-G-GT.
Other names: c.2324dup, p.Ser777fs (NM_001282424.3); short protein forms S777fs, S1268fs.
Identifiers: ClinVar variation 655514 (VCV000655514.6), dbSNP rs1488712517, ClinGen allele CA693118314.

ClinVar aggregate classification (germline): Uncertain significance (1 of 4 stars; one submission).

Allele frequency attached by ClinVar (database versions not stated): gnomAD exomes below 0.00001; TOPMed 0.00002.

Submission:

Labcorp Genetics (formerly Invitae), Labcorp
Classification: Uncertain significance. Last evaluated: 2018-10-20. Review status: criteria provided, single submitter. Criteria: Invitae Variant Classification Sherloc (09022015). Collection method: clinical testing. Allele origin: germline.
Comment: In summary, the available evidence is currently insufficient to determine the role of this variant in disease. Therefore, it has been classified as a Variant of Uncertain Significance. The current clinical and genetic evidence is not sufficient to establish whether loss-of-function variants in A2ML1 cause disease. This variant has not been reported in the literature in individuals with A2ML1-related disease. This variant is not present in population databases (ExAC no frequency). This sequence change creates a premature translational stop signal (p.Ser1268Ilefs*3) in the A2ML1 gene. It is expected to result in an absent or disrupted protein product.